The following is an entry in ClinVar:

ClinVar aggregate classification (germline): Likely pathogenic (1 of 4 stars; one submission).

Conditions:
Congenital muscular hypertrophy-cerebral syndrome (CDLS2). Also called: Cornelia de Lange syndrome 2; SMC1A-Related Cornelia de Lange Syndrome. Identifiers: Orphanet 199, MedGen C1802395, MONDO:0010370, OMIM 300590.

Submission:

Centre for Mendelian Genomics, University Medical Centre Ljubljana
Classification: Likely pathogenic for Congenital muscular hypertrophy-cerebral syndrome. Last evaluated: 2019-12-18. Review status: criteria provided, single submitter. Criteria: ACMG Guidelines, 2015. Collection method: clinical testing. Allele origin: unknown. Affected: yes.
Comment: This variant was classified as: Likely pathogenic. The following ACMG criteria were applied in classifying this variant: PM2,PM4,PM6.

NM_006306.4(SMC1A):c.3187AAG[1] (p.Lys1064del)

Gene: SMC1A (structural maintenance of chromosomes 1A; minus strand). Cytogenetic location: Xp11.22.
Variant type: Microsatellite.
Coding change: c.3187AAG[1] on transcript NM_006306.4 (MANE Select); one copy of the 3-base unit AAG starting at c.3187; the reference has two copies in a row; one copy, 3 bases deleted.
Protein change: p.Lys1064del; deletes lysine 1064.
Molecular consequence: inframe deletion.
Genome position (GRCh38, 1-based): chrX:53,382,599-53,382,601, CTT deleted on the plus strand (AAG on the coding strand, the reverse complement: SMC1A is on the minus strand); deleting any 3 consecutive bases within chrX:53,382,599-53,382,604 gives the same sequence; the position shown is the placement nearest the transcript's 3' end. VCF-style (leftmost placement, unchanged base first): chrX-53382598-CCTT-C. GRCh37 (hg19) VCF-style: chrX-53409519-CCTT-C.
Other names: c.3121AAG[1], p.Lys1042del (NM_001281463.1); short protein forms K1064del, K1042del.
Identifiers: ClinVar variation 930836 (VCV000930836.3), dbSNP rs2075588362, ClinGen allele CA2429817496.